The following is an entry in ClinVar:

ClinVar aggregate classification (germline): Uncertain significance (1 of 4 stars; one submission).

Allele frequency attached by ClinVar (database versions not stated): ExAC 0.00001; gnomAD 0.00001; gnomAD exomes 0.00001; TOPMed 0.00001.

Submission:

Labcorp Genetics (formerly Invitae), Labcorp
Classification: Uncertain significance. Last evaluated: 2024-07-31. Review status: criteria provided, single submitter. Criteria: Invitae Variant Classification Sherloc (09022015). Collection method: clinical testing. Allele origin: germline.
Comment: This sequence change replaces methionine, which is neutral and non-polar, with valine, which is neutral and non-polar, at codon 106 of the SMARCA2 protein (p.Met106Val). This variant is present in population databases (rs748471352, gnomAD 0.006%). This variant has not been reported in the literature in individuals affected with SMARCA2-related conditions. Advanced modeling of protein sequence and biophysical properties (such as structural, functional, and spatial information, amino acid conservation, physicochemical variation, residue mobility, and thermodynamic stability) performed at Invitae indicates that this missense variant is not expected to disrupt SMARCA2 protein function with a negative predictive value of 80%. In summary, the available evidence is currently insufficient to determine the role of this variant in disease. Therefore, it has been classified as a Variant of Uncertain Significance.

NM_003070.5(SMARCA2):c.316A>G (p.Met106Val)

Gene: SMARCA2 (SWI/SNF related BAF chromatin remodeling complex subunit ATPase 2; plus strand). Cytogenetic location: 9p24.3.
Variant type: single nucleotide variant.
Coding change: c.316A>G on transcript NM_003070.5 (MANE Select); coding-DNA position 316, A replaced by G.
Protein change: p.Met106Val; replaces methionine 106 with valine.
Molecular consequence: missense variant.
Genome position (GRCh38, 1-based): chr9:2,033,042, A>G. VCF-style: chr9-2033042-A-G. GRCh37 (hg19) VCF-style: chr9-2033042-A-G.
Other names: c.316A>G, p.Met106Val (NM_001289396.2, NM_001289397.2, NM_139045.4); short protein forms M106V.
Identifiers: ClinVar variation 2957348 (VCV002957348.3), dbSNP rs748471352, ClinGen allele CA4962817.